The following is an entry in ClinVar:

NM_001267550.2(TTN):c.55366_55372dup (p.Ser18458fs)

Genes: TTN (titin; minus strand), TTN-AS1 (TTN antisense RNA 1; plus strand). Cytogenetic location: 2q31.2.
Variant type: Duplication.
Coding change: c.55366_55372dup on transcript NM_001267550.2 (MANE Select); coding-DNA positions 55366 to 55372, 7 bases duplicated (AAATACA; older notation c.55366_55372dupAAATACA).
Protein change: p.Ser18458fs; shifts the reading frame from serine 18458.
Molecular consequence: frameshift variant.
Genome position (GRCh38, 1-based): chr2:178,601,718-178,601,724, TGTATTT duplicated on the plus strand (AAATACA on the coding strand, the reverse complement: TTN is on the minus strand). VCF-style (leftmost placement, unchanged base first): chr2-178601717-C-CTGTATTT. GRCh37 (hg19) VCF-style: chr2-179466444-C-CTGTATTT.
Other names: c.50443_50449dup, p.Ser16817fs (NM_001256850.1); c.28171_28177dup, p.Ser9393fs (NM_003319.4); c.47662_47668dup, p.Ser15890fs (NM_133378.4); c.28546_28552dup, p.Ser9518fs (NM_133432.3); c.28747_28753dup, p.Ser9585fs (NM_133437.4); short protein forms S15890fs, S16817fs, S9518fs, S9585fs, S18458fs, S9393fs.
Identifiers: ClinVar variation 2031478 (VCV002031478.4), dbSNP rs2470014527, ClinGen allele CA2580064728.
Genomic context (GRCh38, chr2:178,601,717, plus strand): 5'-CCCATGACTTTAACTCTGCAATTTGCAGTCTTTTGTCCTGCTTTATTCTTGGCTGTGATG[C>CTGTATTT]TGTATTTGCCTGTATGAGATCGTTTACACTCCGGAATAATAATTACTGAGGAGTTTTCAG-3'

ClinVar aggregate classification (germline): Likely pathogenic (1 of 4 stars; one submission).

Conditions:
Dilated cardiomyopathy 1G (CMD1G). Identifiers: Orphanet 154, MedGen C1858763, MONDO:0011400, OMIM 604145.
Autosomal recessive limb-girdle muscular dystrophy type 2J (LGMDR10). Also called: Limb-girdle muscular dystrophy, type 2J; MUSCULAR DYSTROPHY, LIMB-GIRDLE, AUTOSOMAL RECESSIVE 10. Identifiers: Orphanet 140922, MedGen C1837342, MONDO:0012127, OMIM 608807.

Submission:

Labcorp Genetics (formerly Invitae), Labcorp
Classification: Likely pathogenic for Dilated cardiomyopathy 1G; Autosomal recessive limb-girdle muscular dystrophy type 2J. Last evaluated: 2023-01-17. Review status: criteria provided, single submitter. Criteria: Invitae Variant Classification Sherloc (09022015). Collection method: clinical testing. Allele origin: germline.
Comment: In summary, the currently available evidence indicates that the variant is pathogenic, but additional data are needed to prove that conclusively. Therefore, this variant has been classified as Likely Pathogenic. This sequence change creates a premature translational stop signal (p.Ser18458Lysfs*9) in the TTN gene. While this is not anticipated to result in nonsense mediated decay, it is expected to create a truncated TTN protein. This variant is not present in population databases (gnomAD no frequency). This variant has not been reported in the literature in individuals affected with TTN-related conditions. This variant is located in the A band of TTN (PMID: 25589632). Truncating variants in this region are significantly overrepresented in patients affected with dilated cardiomyopathy (PMID: 25589632). Truncating variants in this region have also been reported in individuals affected with autosomal recessive centronuclear myopathy (PMID: 23975875).

Literature cited by the submitters: PubMed 25589632; PubMed 23975875.